The following is an entry in ClinVar:

ClinVar aggregate classification (germline): Uncertain significance (1 of 4 stars; one submission).

Conditions:
Inborn genetic diseases. Identifiers: MedGen C0950123, MeSH D030342.

Submission:

Ambry Genetics
Classification: Uncertain significance for Inborn genetic diseases. Last evaluated: 2023-07-26. Review status: criteria provided, single submitter. Criteria: Ambry Variant Classification Scheme 2023. Collection method: clinical testing. Allele origin: germline.
Comment: The p.A888S variant (also known as c.2662G>T), located in coding exon 20 of the LRRK2 gene, results from a G to T substitution at nucleotide position 2662. The alanine at codon 888 is replaced by serine, an amino acid with similar properties. This amino acid position is conserved. In addition, this alteration is predicted to be tolerated by in silico analysis. Since supporting evidence is limited at this time, the clinical significance of this alteration remains unclear.

NM_198578.4(LRRK2):c.2662G>T (p.Ala888Ser)

Gene: LRRK2 (leucine rich repeat kinase 2; plus strand). Cytogenetic location: 12q12.
Variant type: single nucleotide variant.
Coding change: c.2662G>T on transcript NM_198578.4 (MANE Select); coding-DNA position 2662, G replaced by T.
Protein change: p.Ala888Ser; replaces alanine 888 with serine.
Molecular consequence: missense variant.
Genome position (GRCh38, 1-based): chr12:40,287,512, G>T. VCF-style: chr12-40287512-G-T. GRCh37 (hg19) VCF-style: chr12-40681314-G-T.
Other names: short protein forms A888S.
Identifiers: ClinVar variation 2587267 (VCV002587267.2), dbSNP rs2499680531, ClinGen allele CA384409170.
Genomic context (GRCh38, chr12:40,287,512, plus strand): 5'-GTGCTGTCTAAATTTGATGAATGGACCTTTATTCCTGACTCTTCTATGGACAGTGTGTTT[G>T]CTCAAAGTGATGACCTGGATAGTGAAGGTATTTATTATAAAAAAAAACCCTTTATGCTTT-3'
Protein context (NP_940980.4, residues 878-898): IPDSSMDSVF[Ala888Ser]QSDDLDSEGS